The following is an entry in ClinVar:

NM_004036.5(ADCY3):c.1924G>A (p.Val642Ile)

Gene: ADCY3 (adenylate cyclase 3; minus strand). Cytogenetic location: 2p23.3.
Variant type: single nucleotide variant.
Coding change: c.1924G>A on transcript NM_004036.5 (MANE Select); coding-DNA position 1924, G replaced by A.
Protein change: p.Val642Ile; replaces valine 642 with isoleucine.
Molecular consequence: missense variant.
Genome position (GRCh38, 1-based): chr2:24,834,528, C>T on the plus strand (G>A on the coding strand, the complement: ADCY3 is on the minus strand). VCF-style: chr2-24834528-C-T. GRCh37 (hg19) VCF-style: chr2-25057397-C-T.
Other names: c.1924G>A, p.Val642Ile (NM_001320613.2, NM_001377129.1, NM_001377130.1 and 1 more transcripts); c.1990G>A, p.Val664Ile (NM_001377128.1); c.1201G>A, p.Val401Ile (NM_001377131.1); short protein forms V401I, V642I, V664I.
Identifiers: ClinVar variation 3357303 (VCV003357303.2).

ClinVar aggregate classification (germline): Uncertain significance. Review status: criteria provided, single submitter (1 of 4 stars). 2 submissions from 2 submitters: Uncertain significance (1). 1 of the submissions does not count toward it. Last evaluated 2022-05-17.

Conditions:
ADCY3-related disorder. Also called: ADCY3-related condition.

gnomAD v4.1: 22 of 1,613,594 alleles (0.0014%); highest among the groups gnomAD compares: Middle Eastern, 0.017%; no homozygotes.

Submissions (2):

Blueprint Genetics
Classification: Uncertain significance. Last evaluated: 2022-05-17. Review status: criteria provided, single submitter. Criteria: ACMG Guidelines, 2015. Collection method: clinical testing. Allele origin: germline.

PreventionGenetics, part of Exact Sciences
Classification: Uncertain significance for ADCY3-related condition. Last evaluated: 2024-07-01. Review status: no assertion criteria provided. Collection method: clinical testing. Allele origin: germline. Not counted in ClinVar's aggregate classification.
Comment: The ADCY3 c.1924G>A variant is predicted to result in the amino acid substitution p.Val642Ile. To our knowledge, this variant has not been reported in the literature. This variant is reported in 0.0028% of alleles in individuals of Latino descent in gnomAD. At this time, the clinical significance of this variant is uncertain due to the absence of conclusive functional and genetic evidence.